The following is an entry in ClinVar:

NM_000540.3(RYR1):c.11958C>G (p.Asp3986Glu)

Gene: RYR1 (ryanodine receptor 1; plus strand). Cytogenetic location: 19q13.2.
Variant type: single nucleotide variant.
Coding change: c.11958C>G on transcript NM_000540.3 (MANE Select); coding-DNA position 11958, C replaced by G.
Protein change: p.Asp3986Glu; replaces aspartic acid 3986 with glutamic acid.
Molecular consequence: missense variant.
Genome position (GRCh38, 1-based): chr19:38,543,821, C>G. VCF-style: chr19-38543821-C-G. GRCh37 (hg19) VCF-style: chr19-39034461-C-G.
Other names: NM_000540.2(RYR1):c.11958C>G; c.11943C>G, p.Asp3981Glu (NM_001042723.2); short protein forms D3986E, D3981E.
Identifiers: ClinVar variation 133026 (VCV000133026.11), dbSNP rs193922842, ClinGen allele CA023951.

ClinVar aggregate classification (germline): Likely pathogenic. Review status: reviewed by expert panel (3 of 4 stars). 5 submissions from 5 submitters: Likely pathogenic (1). 4 of the submissions do not count toward it. Last evaluated 2025-08-01.

Conditions:
RYR1-related disorder. Also called: RYR1-related disorders; RYR1-related condition. Identifiers: MedGen CN239331.
Malignant hyperthermia, susceptibility to, 1 (MHS1). Also called: RYR1-Related Malignant Hyperthermia Susceptibility; Malignant hyperthermia suceptibility 1; Anesthesia related hyperthermia; Malignant hyperpyrexia; Fulminating hyperpyrexia; Pharmacogenic myopathy. Identifiers: Orphanet 423, MedGen C2930980, MONDO:0007783, OMIM 145600.

gnomAD v4.1: 2 of 1,613,960 alleles (0.00012%); highest among the groups gnomAD compares: Non-Finnish European, 0.00017%; no homozygotes.

Submissions (5):

ClinGen Malignant Hyperthermia Susceptibility Variant Curation Expert Panel, ClinGen
Classification: Likely pathogenic for Malignant hyperthermia, susceptibility to, 1. Last evaluated: 2025-08-01. Review status: reviewed by expert panel. Criteria: RYR1-MHS Interpretation Guidelines V2. Collection method: curation. Allele origin: germline. Inheritance: Autosomal dominant inheritance.
Comment: This pathogenicity assessment is relevant only for malignant hyperthermia susceptibility (MHS) inherited in an autosomal dominant pattern. Variants in RYR1 can also cause other myopathies inherited in an autosomal dominant pattern or in an autosomal recessive pattern. Some of these disorders may predispose individuals to malignant hyperthermia. RYR1 variants may also contribute to a malignant hyperthermia reaction in combination with other genetic and non-genetic factors and the clinician needs to consider such factors in making management decisions. This sequence variant predicts a substitution of aspartic acid with glutamic acid at codon 3986 of the RYR1 protein, p.(Asp3986Glu). This variant is not present in a large population database (gnomAD) at the time this variant was interpreted. This variant has been reported in ten unrelated individuals who have a personal or family history of a malignant hyperthermia reaction, all of these individuals had a positive in vitro contracture test (IVCT) or caffeine halothane contracture test (CHCT) result (if the proband was unavailable for testing, a positive diagnostic test result in a mutation-positive relative was counted), PS4 (PMID:30236257; PMID:23558838). Functional studies in HEK293 cells do not show an increased sensitivity to RYR1 agonists, BS3_Supporting (PMID: 28403410). This variant does not reside in a hotspot for pathogenic variants that contribute to MHS. This variant segregates with MHS in seven individuals/families, PP1_Strong (PMID:28403410, UK (Leeds) MH Unit). A REVEL score of 0.763 supports neither a pathogenic nor a benign status for this variant. This variant has been classified as a Likely Pathogenic. Criteria implemented: PS4, PP1_Strong, BS3_Supporting.

PreventionGenetics, part of Exact Sciences
Classification: Likely pathogenic for RYR1-related disorder. Last evaluated: 2026-01-15. Review status: criteria provided, single submitter. Criteria: ACMG Guidelines, 2015. Collection method: clinical testing. Allele origin: germline. Not counted in ClinVar's aggregate classification.
Comment: This variant has been reported in many individuals with malignant hyperthermia, including individuals with positive in vitro contracture testing (IVCT) or caffeine-halothane contracture testing (CHCT; see, for example: Robinson et al. 2006. PubMed ID: 16917943; Gonsalves et al. 2013. PubMed ID: 24195946; Merritt et al. 2017. PubMed ID: 28403410). In vitro experimental studies in HEK293 cells did not show increased sensitivity to caffeine compared to wild type (Merritt et al. 2017. PubMed ID: 28403410). This variant has been interpreted as likely pathogenic by the ClinGen Malignant Hyperthermia Susceptibility Variant Curation Expert Panel (Variation ID: 133026). This variant has not been reported in a large population database (gnomAD), indicating it is rare. This variant is interpreted as likely pathogenic.

Labcorp Genetics (formerly Invitae), Labcorp
Classification: Pathogenic for RYR1-related disorder. Last evaluated: 2025-12-16. Review status: criteria provided, single submitter. Criteria: Invitae Variant Classification Sherloc (09022015). Collection method: clinical testing. Allele origin: germline. Not counted in ClinVar's aggregate classification.
Comment: This sequence change replaces aspartic acid, which is acidic and polar, with glutamic acid, which is acidic and polar, at codon 3986 of the RYR1 protein (p.Asp3986Glu). This variant is not present in population databases (gnomAD no frequency). This missense change has been observed in individuals with malignant hyperthermia (PMID: 16917943, 19648156, 23558838, 24195946, 25658027). ClinVar contains an entry for this variant (Variation ID: 133026). Invitae Evidence Modeling of protein sequence and biophysical properties (such as structural, functional, and spatial information, amino acid conservation, physicochemical variation, residue mobility, and thermodynamic stability) indicates that this missense variant is expected to disrupt RYR1 protein function with a positive predictive value of 80%. Experimental studies have shown that this missense change affects RYR1 function (PMID: 19648156, 23558838). For these reasons, this variant has been classified as Pathogenic.

Biesecker Lab/Clinical Genomics Section, National Institutes of Health
Classification: Likely pathogenic for Malignant hyperthermia, susceptibility to, 1. Last evaluated: 2025-10-05. Review status: criteria provided, single submitter. Criteria: Gonsalves et al. 2013. Collection method: research. Allele origin: unknown. Observed: 1 variant allele. Study: ClinSeq. Not counted in ClinVar's aggregate classification.
Comment: The study set was not selected for affection status in relation to any myopathy. Pathogenicity categories were based on literature curation. See Pubmed ID: 24195946 for details.

RYR1 database
No classification provided. Review status: no classification provided. Collection method: not provided. Allele origin: unknown. Not counted in ClinVar's aggregate classification.

Literature cited by the submitters: PubMed 16917943 (cited by PreventionGenetics, part of Exact Sciences and Labcorp Genetics (formerly Invitae), Labcorp); PubMed 24195946 (cited by PreventionGenetics, part of Exact Sciences and Labcorp Genetics (formerly Invitae), Labcorp); PubMed 28403410 (cited by PreventionGenetics, part of Exact Sciences); PubMed 19648156 (cited by Labcorp Genetics (formerly Invitae), Labcorp); PubMed 23558838 (cited by Labcorp Genetics (formerly Invitae), Labcorp); PubMed 25658027 (cited by Labcorp Genetics (formerly Invitae), Labcorp).